The following is an entry in ClinVar:

NM_001127222.2(CACNA1A):c.4867-8C>T

Gene: CACNA1A (calcium voltage-gated channel subunit alpha1 A; minus strand). Cytogenetic location: 19p13.13.
Variant type: single nucleotide variant.
Coding change: c.4867-8C>T on transcript NM_001127222.2 (MANE Select); 8 bases into the intron before coding-DNA position 4867, C replaced by T.
Molecular consequence: intron variant.
Genome position (GRCh38, 1-based): chr19:13,245,273, G>A on the plus strand (C>T on the coding strand, the complement: CACNA1A is on the minus strand). VCF-style: chr19-13245273-G-A. GRCh37 (hg19) VCF-style: chr19-13356087-G-A.
Other names: c.4870-8C>T (NM_001127221.2, NM_001174080.2); c.4879-8C>T (NM_000068.4, NM_023035.3).
Identifiers: ClinVar variation 385913 (VCV000385913.10), dbSNP rs1057522362, ClinGen allele CA16608122.

ClinVar aggregate classification (germline): Likely benign. Review status: criteria provided, multiple submitters, no conflicts (2 of 4 stars). 2 submissions from 2 submitters: Likely benign (2). Last evaluated 2019-11-26.

Conditions:
Episodic ataxia type 2 (EA2). Also called: ATAXIA, EPISODIC, WITH NYSTAGMUS; ATAXIA, FAMILIAL PAROXYSMAL; CEREBELLAR ATAXIA, PAROXYSMAL, ACETAZOLAMIDE-RESPONSIVE; CEREBELLOPATHY, HEREDITARY PAROXYSMAL; ACETAZOLAMIDE-RESPONSIVE HEREDITARY PAROXYSMAL CEREBELLAR ATAXIA; EPISODIC ATAXIA, NYSTAGMUS-ASSOCIATED. Identifiers: Orphanet 97, MedGen C1720416, MONDO:0007163, OMIM 108500.
Developmental and epileptic encephalopathy, 42 (DEE42A). Also called: DEVELOPMENTAL AND EPILEPTIC ENCEPHALOPATHY 42A; EPILEPTIC ENCEPHALOPATHY, EARLY INFANTILE, 42A; Epileptic encephalopathy, early infantile, 42. Identifiers: MedGen C4310716, MONDO:0014917, OMIM 617106.

Allele frequency attached by ClinVar (database versions not stated): gnomAD exomes 0.00001.
gnomAD v4.1: 9 of 1,612,514 alleles (0.00056%); highest among the groups gnomAD compares: Non-Finnish European, 0.00076%; no homozygotes.

Submissions (2):

Labcorp Genetics (formerly Invitae), Labcorp
Classification: Likely benign for Developmental and epileptic encephalopathy, 42; Episodic ataxia type 2. Last evaluated: 2019-11-26. Review status: criteria provided, single submitter. Criteria: Invitae Variant Classification Sherloc (09022015). Collection method: clinical testing. Allele origin: germline.

GeneDx
Classification: Likely benign. Last evaluated: 2016-05-11. Review status: criteria provided, single submitter. Criteria: GeneDx Variant Classification (06012015). Collection method: clinical testing. Allele origin: germline. Affected: yes.
Comment: This variant is considered likely benign or benign based on one or more of the following criteria: it is a conservative change, it occurs at a poorly conserved position in the protein, it is predicted to be benign by multiple in silico algorithms, and/or has population frequency not consistent with disease.